The following is an entry in ClinVar:

NM_001399.5(EDA):c.872G>A (p.Gly291Glu)

Gene: EDA (ectodysplasin A; plus strand). Cytogenetic location: Xq13.1.
Variant type: single nucleotide variant.
Coding change: c.872G>A on transcript NM_001399.5 (MANE Select); coding-DNA position 872, G replaced by A.
Protein change: p.Gly291Glu; replaces glycine 291 with glutamic acid.
Molecular consequence: missense variant.
Genome position (GRCh38, 1-based): chrX:70,033,476, G>A. VCF-style: chrX-70033476-G-A. GRCh37 (hg19) VCF-style: chrX-69253326-G-A.
Other names: c.872G>A, p.Gly291Glu (NM_001005609.2); c.863G>A, p.Gly288Glu (NM_001005612.3); short protein forms G291E, G288E.
Identifiers: ClinVar variation 280902 (VCV000280902.10), dbSNP rs886042021, ClinGen allele CA10603736.

ClinVar aggregate classification (germline): Pathogenic. Review status: criteria provided, multiple submitters, no conflicts (2 of 4 stars). 2 submissions from 2 submitters: Pathogenic (2). Last evaluated 2022-02-08.

Conditions:
Hypohidrotic X-linked ectodermal dysplasia (XHED). Also called: Anhidrotic ectodermal dysplasia X-linked; Christ Siemens Touraine syndrome; ECTODERMAL DYSPLASIA 1, HYPOHIDROTIC, X-LINKED; ECTODERMAL DYSPLASIA 1, HYPOHIDROTIC/HAIR/TOOTH TYPE, X-LINKED; Christ-Siemans-Touraine syndrome; ECTODERMAL DYSPLASIA, HYPOHIDROTIC, 1. Identifiers: Orphanet 181, Orphanet 238468, MedGen C0162359, MONDO:0010585, OMIM 305100.

Submissions (2):

Labcorp Genetics (formerly Invitae), Labcorp
Classification: Pathogenic for Hypohidrotic X-linked ectodermal dysplasia. Last evaluated: 2022-02-08. Review status: criteria provided, single submitter. Criteria: Invitae Variant Classification Sherloc (09022015). Collection method: clinical testing. Allele origin: germline.
Comment: This missense change has been observed in individual(s) with clinical features of ectodermal dysplasia (Invitae; external communication). In at least one individual the variant was observed to be de novo. For these reasons, this variant has been classified as Pathogenic. This variant disrupts the p.Gly291 amino acid residue in EDA. Other variant(s) that disrupt this residue have been determined to be pathogenic (PMID: 9736768, 20979233, 21357618). This suggests that this residue is clinically significant, and that variants that disrupt this residue are likely to be disease-causing. Advanced modeling of protein sequence and biophysical properties (such as structural, functional, and spatial information, amino acid conservation, physicochemical variation, residue mobility, and thermodynamic stability) performed at Invitae indicates that this missense variant is expected to disrupt EDA protein function. ClinVar contains an entry for this variant (Variation ID: 280902). This variant is not present in population databases (gnomAD no frequency). This sequence change replaces glycine, which is neutral and non-polar, with glutamic acid, which is acidic and polar, at codon 291 of the EDA protein (p.Gly291Glu).

GeneDx
Classification: Pathogenic. Last evaluated: 2016-10-04. Review status: criteria provided, single submitter. Criteria: GeneDx Variant Classification (06012015). Collection method: clinical testing. Allele origin: germline. Affected: yes.
Comment: The G291E variant in the EDA gene has not been reported previously as a pathogenic variant nor as a benign variant, to our knowledge. The G291E variant was not observed in approximately 6500 individuals of European and African American ancestry in the NHLBI Exome Sequencing Project, indicating it is not a common benign variant in these populations. The G291E variant is a non-conservative amino acid substitution, which is likely to impact secondary protein structure as these residues differ in polarity, charge, size and/or other properties. In addition, this substitution occurs at a position that is conserved across species, and in silico analysis predicts this variant is probably damaging to the protein structure/function. Missense variants in the same residue (G291R and G291W) have been reported in the Human Gene Mutation Database in association with ectodermal dysplasia (Stenson et al., 2014), supporting the functional importance of this region of the protein. We interpret G291E as a pathogenic variant.

Literature cited by the submitters: PubMed 9736768 (cited by Labcorp Genetics (formerly Invitae), Labcorp); PubMed 20979233 (cited by Labcorp Genetics (formerly Invitae), Labcorp); PubMed 21357618 (cited by Labcorp Genetics (formerly Invitae), Labcorp).